The following is an entry in ClinVar:

ClinVar aggregate classification (germline): Uncertain significance (1 of 4 stars; one submission).

Conditions:
Hereditary spastic paraplegia 30. Identifiers: Orphanet 101010, MedGen C5235139, MONDO:0012476.
Neuropathy, hereditary sensory, type 2C. Also called: Hereditary sensory and autonomic neuropathy type IIC; KIF1A-Related HSAN2 (HSAN2C). Identifiers: Orphanet 970, MedGen C3280168, MONDO:0013634, OMIM 614213.
Intellectual disability, autosomal dominant 9 (NESCAVS). Also called: NESCAV SYNDROME; KIF1A-Related Neurodevelopmental Disorder. Identifiers: Orphanet 662367, MedGen C5393830, MONDO:0013656, OMIM 614255.

Submission:

Labcorp Genetics (formerly Invitae), Labcorp
Classification: Uncertain significance for Hereditary spastic paraplegia 30; Neuropathy, hereditary sensory, type 2C; Intellectual disability, autosomal dominant 9. Last evaluated: 2022-04-28. Review status: criteria provided, single submitter. Criteria: Invitae Variant Classification Sherloc (09022015). Collection method: clinical testing. Allele origin: germline.
Comment: In summary, the available evidence is currently insufficient to determine the role of this variant in disease. Therefore, it has been classified as a Variant of Uncertain Significance. Advanced modeling of protein sequence and biophysical properties (such as structural, functional, and spatial information, amino acid conservation, physicochemical variation, residue mobility, and thermodynamic stability) performed at Invitae indicates that this missense variant is not expected to disrupt KIF1A protein function. This variant has not been reported in the literature in individuals affected with KIF1A-related conditions. This variant is not present in population databases (gnomAD no frequency). This sequence change replaces arginine, which is basic and polar, with lysine, which is basic and polar, at codon 1465 of the KIF1A protein (p.Arg1465Lys).

NM_001244008.2(KIF1A):c.4697G>A (p.Arg1566Lys)

Gene: KIF1A (kinesin family member 1A; minus strand). Cytogenetic location: 2q37.3.
Variant type: single nucleotide variant.
Coding change: c.4697G>A on transcript NM_001244008.2 (MANE Select); coding-DNA position 4697, G replaced by A.
Protein change: p.Arg1566Lys; replaces arginine 1566 with lysine.
Molecular consequence: missense variant.
Genome position (GRCh38, 1-based): chr2:240,721,853, C>T on the plus strand (G>A on the coding strand, the complement: KIF1A is on the minus strand). VCF-style: chr2-240721853-C-T. GRCh37 (hg19) VCF-style: chr2-241661270-C-T.
Other names: c.4421G>A, p.Arg1474Lys (NM_001320705.2, NM_001379649.1); c.4448G>A, p.Arg1483Lys (NM_001330289.2); c.4496G>A, p.Arg1499Lys (NM_001330290.2, NM_001379648.1); c.4772G>A, p.Arg1591Lys (NM_001379631.1); c.4673G>A, p.Arg1558Lys (NM_001379632.1); c.4670G>A, p.Arg1557Lys (NM_001379633.1, NM_001379645.1); c.4523G>A, p.Arg1508Lys (NM_001379634.1); c.4520G>A, p.Arg1507Lys (NM_001379635.1, NM_001379646.1); and 7 more; short protein forms R1464K, R1490K, R1499K, R1508K, R1591K, R1482K, R1483K, R1465K.
Identifiers: ClinVar variation 1927367 (VCV001927367.5), dbSNP rs2536680601, ClinGen allele CA351303096.
Genomic context (GRCh38, chr2:240,721,853, plus strand): 5'-CCCTCTGCACCCACCTTGCTCTCGCTGGCACTGACGCAGACGTGGCTGTGTGTGTACTCT[C>T]TGTTGAATGTGTGCGTGAGCAGGCGCAAGCACTGTGGACAGAGCACACGCGTGGTCAGGG-3'
Protein context (NP_001230937.1, residues 1556-1576): CLRLLTHTFN[Arg1566Lys]EYTHSHVCVS